The following is an entry in ClinVar:

ClinVar aggregate classification (germline): Uncertain significance (1 of 4 stars; one submission).

Allele frequency attached by ClinVar (database versions not stated): gnomAD exomes below 0.00001.
gnomAD v4.1: 3 of 1,614,138 alleles (0.00019%); highest among the groups gnomAD compares: Non-Finnish European, 0.00025%; no homozygotes.

Submission:

Ambry Genetics
Classification: Uncertain significance. Last evaluated: 2022-07-08. Review status: criteria provided, single submitter. Criteria: Ambry Variant Classification Scheme 2023. Collection method: clinical testing. Allele origin: germline.
Comment: The p.Q586K variant (also known as c.1756C>A), located in coding exon 9 of the PALLD gene, results from a C to A substitution at nucleotide position 1756. The glutamine at codon 586 is replaced by lysine, an amino acid with similar properties. This amino acid position is conserved. In addition, this alteration is predicted to be tolerated by in silico analysis. Since supporting evidence is limited at this time, the clinical significance of this alteration remains unclear.

NM_001166108.2(PALLD):c.1756C>A (p.Gln586Lys)

Gene: PALLD (palladin, cytoskeletal associated protein; plus strand). Cytogenetic location: 4q32.3.
Variant type: single nucleotide variant.
Coding change: c.1756C>A on transcript NM_001166108.2 (MANE Select); coding-DNA position 1756, C replaced by A.
Protein change: p.Gln586Lys; replaces glutamine 586 with lysine.
Molecular consequence: missense variant.
Genome position (GRCh38, 1-based): chr4:168,711,715, C>A. VCF-style: chr4-168711715-C-A. GRCh37 (hg19) VCF-style: chr4-169632866-C-A.
Other names: c.610C>A, p.Gln204Lys (NM_001166109.2); c.1756C>A, p.Gln586Lys (NM_016081.4); short protein forms Q204K, Q586K.
Identifiers: ClinVar variation 1779473 (VCV001779473.2), dbSNP rs2531855719, ClinGen allele CA358798146.
Genomic context (GRCh38, chr4:168,711,715, plus strand): 5'-CCTCCAATCTTGGAGACAAGTTCCTTGGAGTTGGCTTCAAAGAAACCATCTGAGATCCAG[C>A]AGGTGAACAACCCTGAGTTAGGCCTGAGCAGGGCAGCCCTTCAAATGCAATTCAATGCTG-3'
Protein context (NP_001159580.1, residues 576-596): LASKKPSEIQ[Gln586Lys]VNNPELGLSR